The following is an entry in ClinVar:

NM_201384.3(PLEC):c.6840C>T (p.Ala2280=)

Gene: PLEC (plectin; minus strand). Cytogenetic location: 8q24.3.
Variant type: single nucleotide variant.
Coding change: c.6840C>T on transcript NM_201384.3 (MANE Select); coding-DNA position 6840, C replaced by T.
Protein change: p.Ala2280=; no amino-acid change (alanine 2280 retained).
Molecular consequence: synonymous variant.
Genome position (GRCh38, 1-based): chr8:143,923,089, G>A on the plus strand (C>T on the coding strand, the complement: PLEC is on the minus strand). VCF-style: chr8-143923089-G-A. GRCh37 (hg19) VCF-style: chr8-144997257-G-A.
Other names: c.6921C>T, p.Ala2307= (NM_000445.5); c.6798C>T, p.Ala2266= (NM_201378.4); c.6774C>T, p.Ala2258= (NM_201379.3); c.7251C>T, p.Ala2417= (NM_201380.4); c.6744C>T, p.Ala2248= (NM_201381.3); c.6840C>T, p.Ala2280= (NM_201382.4); c.6852C>T, p.Ala2284= (NM_201383.3).
Identifiers: ClinVar variation 471634 (VCV000471634.14), dbSNP rs202182619, ClinGen allele CA4925835.

ClinVar aggregate classification (germline): Conflicting classifications of pathogenicity. Review status: criteria provided, conflicting classifications (1 of 4 stars). 3 submissions from 3 submitters: Uncertain significance (1); Likely benign (2). Last evaluated 2025-05-14.

Conditions:
PLEC-related disorder. Also called: PLEC-related disorders; PLEC-related condition.
Autosomal recessive limb-girdle muscular dystrophy type 2Q (LGMDR17). Also called: MUSCULAR DYSTROPHY, LIMB-GIRDLE, AUTOSOMAL RECESSIVE 17. Identifiers: Orphanet 254361, MedGen C3150989, MONDO:0013390, OMIM 613723.
Epidermolysis bullosa simplex with nail dystrophy (EBS5D). Identifiers: MedGen C4225309, MONDO:0014661, OMIM 616487.
Epidermolysis bullosa simplex 5C, with pyloric atresia (EBS5C). Also called: PLEC-Related Epidermolysis Bullosa with Pyloric Atresia; Epidermolysis bullosa simplex with pyloric atresia; PLEC1-Related Epidermolysis Bullosa with Pyloric Atresia. Identifiers: Orphanet 158684, MedGen C2677349, MONDO:0012807, OMIM 612138.
Epidermolysis bullosa simplex, Ogna type (EBS5A). Also called: Pidermolysis bullosa simplex 5A, Ogna type; EPIDERMOLYSIS BULLOSA SIMPLEX 5A, OGNA TYPE. Identifiers: Orphanet 79401, MedGen C0432317, MONDO:0007555, OMIM 131950.
Epidermolysis bullosa simplex 5B, with muscular dystrophy (EBS5B). Also called: EPIDERMOLYSIS BULLOSA SIMPLEX AND LIMB-GIRDLE MUSCULAR DYSTROPHY; Epidermolysis bullosa simplex with muscular dystrophy. Identifiers: Orphanet 257, MedGen C2931072, MONDO:0009181, OMIM 226670.

Allele frequency attached by ClinVar (database versions not stated): ExAC 0.00006; gnomAD exomes 0.00008; gnomAD 0.00010; TOPMed 0.00011; 1000 Genomes Project 0.00020; 1000 Genomes Project 30x 0.00031.
gnomAD v4.1: 131 of 1,606,752 alleles (0.0082%); highest among the groups gnomAD compares: African/African-American, 0.019%; no homozygotes.

Submissions (3):

Labcorp Genetics (formerly Invitae), Labcorp
Classification: Likely benign for Autosomal recessive limb-girdle muscular dystrophy type 2Q; Epidermolysis bullosa simplex, Ogna type; Epidermolysis bullosa simplex with nail dystrophy; Epidermolysis bullosa simplex 5C, with pyloric atresia; Epidermolysis bullosa simplex 5B, with muscular dystrophy. Last evaluated: 2025-05-14. Review status: criteria provided, single submitter. Criteria: Invitae Variant Classification Sherloc (09022015). Collection method: clinical testing. Allele origin: germline.

PreventionGenetics, part of Exact Sciences
Classification: Likely benign for PLEC-related condition. Last evaluated: 2025-04-28. Review status: criteria provided, single submitter. Criteria: ACMG Guidelines, 2015. Collection method: clinical testing. Allele origin: germline.
Comment: This variant is classified as likely benign based on ACMG/AMP sequence variant interpretation guidelines (Richards et al. 2015 PMID: 25741868, with internal and published modifications).

Eurofins Ntd Llc (ga)
Classification: Uncertain significance. Last evaluated: 2017-11-06. Review status: criteria provided, single submitter. Criteria: EGL Classification Definitions 2015. Collection method: clinical testing. Allele origin: germline. Observed: 2 variant alleles, 2 heterozygotes.